The following is an entry in ClinVar:

NM_017780.4(CHD7):c.813C>T (p.His271=)

Gene: CHD7 (chromodomain helicase DNA binding protein 7; plus strand). Cytogenetic location: 8q12.2.
Variant type: single nucleotide variant.
Coding change: c.813C>T on transcript NM_017780.4 (MANE Select); coding-DNA position 813, C replaced by T.
Protein change: p.His271=; no amino-acid change (histidine 271 retained).
Molecular consequence: synonymous variant.
Genome position (GRCh38, 1-based): chr8:60,742,245, C>T. VCF-style: chr8-60742245-C-T. GRCh37 (hg19) VCF-style: chr8-61654804-C-T.
Other names: c.813C>T, p.His271= (NM_001316690.1).
Identifiers: ClinVar variation 1124840 (VCV001124840.10), dbSNP rs773253450, ClinGen allele CA4759389.

ClinVar aggregate classification (germline): Likely benign. Review status: criteria provided, multiple submitters, no conflicts (2 of 4 stars). 2 submissions from 2 submitters: Likely benign (2). Last evaluated 2026-09-01.

Conditions:
CHARGE syndrome (CHARGE). Also called: Hittner Hirsch Kreh syndrome; CHARGE ASSOCIATION--COLOBOMA, HEART ANOMALY, CHOANAL ATRESIA, RETARDATION, GENITAL AND EAR ANOMALIES; Coloboma, heart anomaly, choanal atresia, retardation, genital and ear anomalies; CHARGE association; Hall-Hittner syndrome. Identifiers: Orphanet 138, MedGen C0265354, MONDO:0008965.

Allele frequency attached by ClinVar (database versions not stated): ExAC 0.00001; gnomAD exomes 0.00001; TOPMed 0.00002.
gnomAD v4.1: 9 of 1,613,886 alleles (0.00056%); highest among the groups gnomAD compares: Middle Eastern, 0.016%; no homozygotes.

Submissions (2):

CeGaT Center for Human Genetics Tuebingen
Classification: Likely benign. Last evaluated: 2026-09-01. Review status: criteria provided, single submitter. Criteria: CeGaT Center For Human Genetics Tuebingen Variant Classification Criteria Version 2. Collection method: clinical testing. Allele origin: germline. Affected: yes. Observed: 1 variant allele.
Comment: CHD7: BP4

Labcorp Genetics (formerly Invitae), Labcorp
Classification: Likely benign for CHARGE syndrome. Last evaluated: 2026-01-05. Review status: criteria provided, single submitter. Criteria: Invitae Variant Classification Sherloc (09022015). Collection method: clinical testing. Allele origin: germline.